The following is an entry in ClinVar:

ClinVar aggregate classification (germline): Uncertain significance (1 of 4 stars; one submission).

Conditions:
Hereditary cancer-predisposing syndrome. Also called: Neoplastic Syndromes, Hereditary; Tumor predisposition; Hereditary Cancer Syndrome; Hereditary neoplastic syndrome. Identifiers: Orphanet 140162, MedGen C0027672, MeSH D009386, MONDO:0015356.

Submission:

Ambry Genetics
Classification: Uncertain significance for Hereditary cancer-predisposing syndrome. Last evaluated: 2026-01-13. Review status: criteria provided, single submitter. Criteria: Ambry Variant Classification Scheme 2023. Collection method: clinical testing. Allele origin: germline.
Comment: The c.29_30delTCinsAT variant (also known as p.F10Y), located in coding exon 1 of the MSH6 gene, results from an in-frame deletion of TC and insertion of AT at nucleotide positions 29 to 30. This results in the substitution of the phenylalanine residue for a tyrosine residue at codon 10, an amino acid with highly similar properties. This amino acid position is highly conserved in available vertebrate species. In addition, the in silico prediction for this alteration is inconclusive. Based on the available evidence, the clinical significance of this variant remains unclear.

NM_000179.3(MSH6):c.29_30delinsAT (p.Phe10Tyr)

Gene: MSH6 (mutS homolog 6; plus strand). Cytogenetic location: 2p16.3.
Variant type: Indel.
Coding change: c.29_30delinsAT on transcript NM_000179.3 (MANE Select); coding-DNA positions 29 to 30, TC replaced by AT.
Protein change: p.Phe10Tyr; replaces phenylalanine 10 with tyrosine.
Molecular consequence: missense variant. On other transcripts: 5 prime UTR variant (8), non-coding transcript variant (5), intron variant (5).
Genome position (GRCh38, 1-based): chr2:47,783,262-47,783,263, TC replaced by AT. VCF-style: chr2-47783262-TC-AT. GRCh37 (hg19) VCF-style: chr2-48010401-TC-AT.
Other names: c.29_30delinsAT, p.Phe10Tyr (NM_001281492.2, NM_001406795.1, NM_001406796.1 and 9 more transcripts); c.-708_-707delinsAT (NM_001281493.2, NM_001406811.1); c.-300_-299delinsAT (NM_001406799.1); c.-27_-26delinsAT (NM_001406804.1); c.-900_-899delinsAT (NM_001406807.1); c.-555_-554delinsAT (NM_001406812.1); c.-966_-965delinsAT (NM_001406814.1); c.-511_-510delinsAT (NM_001406816.1); and 3 more; short protein forms F10Y.
Identifiers: ClinVar variation 4843697 (VCV004843697.1).